The following is an entry in ClinVar:

NM_003737.4(DCHS1):c.4392C>T (p.Asp1464=)

Gene: DCHS1 (dachsous cadherin-related 1; minus strand). Cytogenetic location: 11p15.4.
Variant type: single nucleotide variant.
Coding change: c.4392C>T on transcript NM_003737.4 (MANE Select); coding-DNA position 4392, C replaced by T.
Protein change: p.Asp1464=; no amino-acid change (aspartic acid 1464 retained).
Molecular consequence: synonymous variant.
Genome position (GRCh38, 1-based): chr11:6,630,402, G>A on the plus strand (C>T on the coding strand, the complement: DCHS1 is on the minus strand). VCF-style: chr11-6630402-G-A. GRCh37 (hg19) VCF-style: chr11-6651633-G-A.
Identifiers: ClinVar variation 776571 (VCV000776571.19), dbSNP rs374847582, ClinGen allele CA5860338.

ClinVar aggregate classification (germline): Likely benign. Review status: criteria provided, multiple submitters, no conflicts (2 of 4 stars). 6 submissions from 6 submitters: Likely benign (5). 1 of the submissions does not count toward it. Last evaluated 2026-07-01.

Conditions:
DCHS1-related disorder. Also called: DCHS1-related condition.

Allele frequency attached by ClinVar (database versions not stated): gnomAD 0.00185 and 0.00172; gnomAD exomes 0.00011 and 0.00012; ExAC 0.00019; ESP Exome Variant Server 0.00129; 1000 Genomes Project 30x 0.00141; 1000 Genomes Project 0.00160; TOPMed 0.00184.
gnomAD v4.1: 424 of 1,422,390 alleles (0.03%); highest among the groups gnomAD compares: African/African-American, 0.56%; 3 homozygotes.

Submissions (6):

CeGaT Center for Human Genetics Tuebingen
Classification: Likely benign. Last evaluated: 2026-07-01. Review status: criteria provided, single submitter. Criteria: CeGaT Center For Human Genetics Tuebingen Variant Classification Criteria Version 2. Collection method: clinical testing. Allele origin: germline. Affected: yes. Observed: 2 variant alleles.
Comment: DCHS1: BP4, BP7

Labcorp Genetics (formerly Invitae), Labcorp
Classification: Likely benign. Last evaluated: 2026-01-20. Review status: criteria provided, single submitter. Criteria: Invitae Variant Classification Sherloc (09022015). Collection method: clinical testing. Allele origin: germline.

Blueprint Genetics
Classification: Likely benign. Last evaluated: 2024-09-17. Review status: criteria provided, single submitter. Criteria: ACMG Guidelines, 2015. Collection method: clinical testing. Allele origin: germline.

GeneDx
Classification: Likely benign. Last evaluated: 2021-02-23. Review status: criteria provided, single submitter. Criteria: GeneDx Variant Classification Process June 2021. Collection method: clinical testing. Allele origin: germline. Affected: yes.

Breakthrough Genomics
Classification: Likely benign. Review status: criteria provided, single submitter. Criteria: ACMG Guidelines, 2015. Collection method: not provided. Allele origin: germline. Inheritance: Autosomal recessive inheritance. Affected: yes.

PreventionGenetics, part of Exact Sciences
Classification: Likely benign for DCHS1-related condition. Last evaluated: 2024-09-24. Review status: no assertion criteria provided. Collection method: clinical testing. Allele origin: germline. Not counted in ClinVar's aggregate classification.
Comment: This variant is classified as likely benign based on ACMG/AMP sequence variant interpretation guidelines (Richards et al. 2015 PMID: 25741868, with internal and published modifications).